The following is an entry in ClinVar:

ClinVar aggregate classification (germline): Uncertain significance (1 of 4 stars; one submission).

Conditions:
SCAPER-related disorder. Also called: SCAPER-related condition.

gnomAD v4.1: 2 of 1,613,884 alleles (0.00012%); highest among the groups gnomAD compares: East Asian, 0.0045%; no homozygotes.

Submission:

PreventionGenetics, part of Exact Sciences
Classification: Uncertain significance for SCAPER-related condition. Last evaluated: 2025-08-10. Review status: criteria provided, single submitter. Criteria: ACMG Guidelines, 2015. Collection method: clinical testing. Allele origin: germline.
Comment: The SCAPER c.3776C>G variant is predicted to result in the amino acid substitution p.Ser1259Cys. To our knowledge, this variant has not been reported in the literature. This variant is reported in 0.0056% of alleles in individuals of East Asian descent in gnomAD. At this time, the clinical significance of this variant is uncertain due to the absence of conclusive functional and genetic evidence.

NM_020843.4(SCAPER):c.3758C>G (p.Ser1253Cys)

Gene: SCAPER (S-phase cyclin A associated protein in the ER; minus strand). Cytogenetic location: 15q24.3.
Variant type: single nucleotide variant.
Coding change: c.3758C>G on transcript NM_020843.4 (MANE Select); coding-DNA position 3758, C replaced by G.
Protein change: p.Ser1253Cys; replaces serine 1253 with cysteine.
Molecular consequence: missense variant. On other transcripts: non-coding transcript variant (1).
Genome position (GRCh38, 1-based): chr15:76,376,259, G>C on the plus strand (C>G on the coding strand, the complement: SCAPER is on the minus strand). VCF-style: chr15-76376259-G-C. GRCh37 (hg19) VCF-style: chr15-76668600-G-C.
Other names: c.3020C>G, p.Ser1007Cys (NM_001145923.2); c.3776C>G, p.Ser1259Cys (NM_001353009.2); c.3356C>G, p.Ser1119Cys (NM_001353010.2, NM_001353012.2); c.3374C>G, p.Ser1125Cys (NM_001353011.2); short protein forms S1007C, S1253C, S1125C, S1259C, S1119C.
Identifiers: ClinVar variation 4986640 (VCV004986640.1).
Genomic context (GRCh38, chr15:76,376,259, plus strand): 5'-CAGACGATGACCTCATGAAGGAGGCTTTCACAGGAGACTTGGCTGCAGTGGCCCAGCAGG[G>C]AGCTGGCCATGTGCCGGAATGCAAGGGACAAGCCCTCTGCCCCTACAATAGACTGACAAA-3'
Protein context (NP_065894.2, residues 1243-1263): LSLAFRHMAS[Ser1253Cys]LLGHCSQVSC